The following is an entry in ClinVar:

NM_000388.4(CASR):c.961G>T (p.Ala321Ser)

Gene: CASR (calcium sensing receptor; plus strand). Cytogenetic location: 3q21.1.
Variant type: single nucleotide variant.
Coding change: c.961G>T on transcript NM_000388.4 (MANE Select); coding-DNA position 961, G replaced by T.
Protein change: p.Ala321Ser; replaces alanine 321 with serine.
Molecular consequence: missense variant.
Genome position (GRCh38, 1-based): chr3:122,261,996, G>T. VCF-style: chr3-122261996-G-T. GRCh37 (hg19) VCF-style: chr3-121980843-G-T.
Other names: c.961G>T, p.Ala321Ser (NM_001178065.2); short protein forms A321S.
Identifiers: ClinVar variation 1717007 (VCV001717007.6), dbSNP rs2074631702, ClinGen allele CA354151812.

ClinVar aggregate classification (germline): Uncertain significance (1 of 4 stars; one submission).

Conditions:
Autosomal dominant hypocalcemia 1 (HYPOC1). Also called: HYPOCALCEMIA, FAMILIAL. Identifiers: MedGen C3715128, MONDO:0011013, OMIM 601198.
Familial hypocalciuric hypercalcemia (FHH). Also called: Familial benign hypercalcemia. Identifiers: Orphanet 405, MedGen C1809471, MONDO:0018458.

Allele frequency attached by ClinVar (database versions not stated): TOPMed 0.00001.

Submission:

Labcorp Genetics (formerly Invitae), Labcorp
Classification: Uncertain significance for Familial hypocalciuric hypercalcemia; Autosomal dominant hypocalcemia 1. Last evaluated: 2025-11-24. Review status: criteria provided, single submitter. Criteria: Invitae Variant Classification Sherloc (09022015). Collection method: clinical testing. Allele origin: germline.
Comment: This sequence change replaces alanine, which is neutral and non-polar, with serine, which is neutral and polar, at codon 321 of the CASR protein (p.Ala321Ser). This variant is not present in population databases (gnomAD no frequency). This variant has not been reported in the literature in individuals affected with CASR-related conditions. ClinVar contains an entry for this variant (Variation ID: 1717007). An algorithm developed to predict the effect of missense changes on protein structure and function (PolyPhen-2) suggests that this variant is likely to be tolerated. In summary, the available evidence is currently insufficient to determine the role of this variant in disease. Therefore, it has been classified as a Variant of Uncertain Significance.